The following is an entry in ClinVar:

NM_007078.3(LDB3):c.1035C>T (p.Ile345=)

Gene: LDB3 (LIM domain binding 3; plus strand). Cytogenetic location: 10q23.2.
Variant type: single nucleotide variant.
Coding change: c.1035C>T on transcript NM_007078.3 (MANE Select); coding-DNA position 1035, C replaced by T.
Protein change: p.Ile345=; no amino-acid change (isoleucine 345 retained).
Molecular consequence: synonymous variant. On other transcripts: intron variant (4).
Genome position (GRCh38, 1-based): chr10:86,706,669, C>T. VCF-style: chr10-86706669-C-T. GRCh37 (hg19) VCF-style: chr10-88466426-C-T.
Other names: p.I345I:ATC>ATT; c.894C>T, p.Ile298= (NM_001368066.1); c.897-3236C>T (NM_001368064.1, NM_001368065.1); c.1101-3236C>T (NM_001171610.2); c.756-3236C>T (NM_001080114.2).
Identifiers: ClinVar variation 138102 (VCV000138102.63), dbSNP rs121908336, ClinGen allele CA295483.

ClinVar aggregate classification (germline): Benign/Likely benign. Review status: criteria provided, multiple submitters, no conflicts (2 of 4 stars). 14 submissions from 14 submitters: Benign (3); Likely benign (6). 5 of the submissions do not count toward it. Last evaluated 2026-01-27.

Conditions:
Cardiovascular phenotype. Identifiers: MedGen CN230736.
Myofibrillar myopathy 4. Also called: Zaspopathy (type). Identifiers: Orphanet 98912, MedGen C4721886, MONDO:0012277, OMIM 609452.

Allele frequency attached by ClinVar (database versions not stated): ExAC 0.00029; TOPMed 0.00028; gnomAD 0.00029 and 0.00028.
gnomAD v4.1: 1,033 of 1,612,788 alleles (0.064%); highest among the groups gnomAD compares: Non-Finnish European, 0.083%; 1 homozygote.

Submissions (14):

Labcorp Genetics (formerly Invitae), Labcorp
Classification: Likely benign for Myofibrillar myopathy 4. Last evaluated: 2026-01-27. Review status: criteria provided, single submitter. Criteria: Invitae Variant Classification Sherloc (09022015). Collection method: clinical testing. Allele origin: germline.

Blueprint Genetics
Classification: Likely benign. Last evaluated: 2024-10-24. Review status: criteria provided, single submitter. Criteria: ACMG Guidelines, 2015. Collection method: clinical testing. Allele origin: germline.

CeGaT Center for Human Genetics Tuebingen
Classification: Likely benign. Last evaluated: 2022-09-01. Review status: criteria provided, single submitter. Criteria: CeGaT Center For Human Genetics Tuebingen Variant Classification Criteria Version 2. Collection method: clinical testing. Allele origin: germline. Affected: yes. Observed: 1 variant allele.
Comment: LDB3: BP4, BP7

Women's Health and Genetics/Laboratory Corporation of America, LabCorp
Classification: Benign. Last evaluated: 2021-11-15. Review status: criteria provided, single submitter. Criteria: LabCorp Variant Classification Summary - May 2015. Collection method: clinical testing. Allele origin: germline.

ARUP Laboratories, Molecular Genetics and Genomics, ARUP Laboratories
Classification: Likely benign. Last evaluated: 2020-06-02. Review status: criteria provided, single submitter. Criteria: ARUP Molecular Germline Variant Investigation Process. Collection method: clinical testing. Allele origin: germline.

Ambry Genetics
Classification: Likely benign for Cardiovascular phenotype. Last evaluated: 2018-11-20. Review status: criteria provided, single submitter. Criteria: Ambry Variant Classification Scheme 2023. Collection method: clinical testing. Allele origin: germline.

Laboratory for Molecular Medicine, Mass General Brigham Personalized Medicine
Classification: Likely benign. Last evaluated: 2014-11-06. Review status: criteria provided, single submitter. Criteria: LMM Criteria. Collection method: clinical testing. Allele origin: germline. Observed: 1 variant allele.
Comment: p.Ile345Ile in exon 10 of LDB3: This variant is not expected to have clinical si gnificance because it does not alter an amino acid residue and is not located wi thin the splice consensus sequence. It has been identified in 7/8600 of European American chromosomes by the NHLBI Exome Sequencing Project (dbSNP rs121908336).

GeneDx
Classification: Benign. Last evaluated: 2014-05-13. Review status: criteria provided, single submitter. Criteria: GeneDx Variant Classification (06012015). Collection method: clinical testing. Allele origin: germline. Affected: yes.
Comment: This variant is considered likely benign or benign based on one or more of the following criteria: it is a conservative change, it occurs at a poorly conserved position in the protein, it is predicted to be benign by multiple in silico algorithms, and/or has population frequency not consistent with disease.

PreventionGenetics, part of Exact Sciences
Classification: Benign. Review status: criteria provided, single submitter. Criteria: ACMG Guidelines, 2015. Collection method: clinical testing. Allele origin: germline.

Clinical Genetics DNA and cytogenetics Diagnostics Lab, Erasmus MC, Erasmus Medical Center
Classification: Likely benign. Review status: no assertion criteria provided. Collection method: clinical testing. Allele origin: germline. Affected: yes. Study: VKGL Data-share Consensus. Not counted in ClinVar's aggregate classification.

Clinical Genetics, Academic Medical Center
Classification: Benign. Review status: no assertion criteria provided. Collection method: clinical testing. Allele origin: germline. Affected: yes. Study: VKGL Data-share Consensus. Not counted in ClinVar's aggregate classification.

Diagnostic Laboratory, Department of Genetics, University Medical Center Groningen
Classification: Likely benign. Review status: no assertion criteria provided. Collection method: clinical testing. Allele origin: germline. Affected: yes. Study: VKGL Data-share Consensus. Not counted in ClinVar's aggregate classification.

Genome Diagnostics Laboratory, University Medical Center Utrecht
Classification: Likely benign. Review status: no assertion criteria provided. Collection method: clinical testing. Allele origin: germline. Affected: yes. Study: VKGL Data-share Consensus. Not counted in ClinVar's aggregate classification.

Joint Genome Diagnostic Labs from Nijmegen and Maastricht, Radboudumc and MUMC+
Classification: Likely benign. Review status: no assertion criteria provided. Collection method: clinical testing. Allele origin: germline. Affected: yes. Study: VKGL Data-share Consensus. Not counted in ClinVar's aggregate classification.